The following is an entry in ClinVar:

NM_002730.4(PRKACA):c.512A>G (p.Glu171Gly)

Gene: PRKACA (protein kinase cAMP-activated catalytic subunit alpha; minus strand). Cytogenetic location: 19p13.12.
Variant type: single nucleotide variant.
Coding change: c.512A>G on transcript NM_002730.4 (MANE Select); coding-DNA position 512, A replaced by G.
Protein change: p.Glu171Gly; replaces glutamic acid 171 with glycine.
Molecular consequence: missense variant.
Genome position (GRCh38, 1-based): chr19:14,097,798, T>C on the plus strand (A>G on the coding strand, the complement: PRKACA is on the minus strand). VCF-style: chr19-14097798-T-C. GRCh37 (hg19) VCF-style: chr19-14208610-T-C.
Other names: c.740A>G, p.Glu247Gly (NM_001304349.2); c.488A>G, p.Glu163Gly (NM_207518.3); short protein forms E163G, E171G, E247G.
Identifiers: ClinVar variation 3252299 (VCV003252299.2), dbSNP rs2512584624.

ClinVar aggregate classification (germline): Uncertain significance (1 of 4 stars; one submission).

Submission:

GeneDx
Classification: Uncertain significance. Last evaluated: 2026-04-21. Review status: criteria provided, single submitter. Criteria: GeneDx Variant Classification Process June 2021. Collection method: clinical testing. Allele origin: germline.
Comment: Not observed at significant frequency in large population cohorts (gnomAD); In silico analysis supports that this missense variant has a deleterious effect on protein structure/function; Has not been previously published as pathogenic or benign to our knowledge.